The following is an entry in ClinVar:

ClinVar aggregate classification (germline): Benign. Review status: criteria provided, multiple submitters, no conflicts (2 of 4 stars). 4 submissions from 4 submitters: Benign (3). 1 of the submissions does not count toward it. Last evaluated 2026-01-28.

Conditions:
Acyl-CoA oxidase deficiency. Also called: STRAIGHT-CHAIN ACYL-CoA OXIDASE DEFICIENCY; Pseudoneonatal adrenoleukodystrophy; Peroxisomal acyl-CoA oxidase deficiency. Identifiers: Orphanet 2971, MedGen C1849678, MONDO:0009919, OMIM 264470. Disease mechanism: loss of function.

Allele frequency attached by ClinVar (database versions not stated): gnomAD 0.00002 and 0.00064; TOPMed 0.00015; gnomAD exomes 0.00101 and 0.00217; ExAC 0.00262; 1000 Genomes Project 30x 0.00406; 1000 Genomes Project 0.00419.
gnomAD v4.1: 1,613 of 1,614,210 alleles (0.1%); highest among the groups gnomAD compares: South Asian, 1.6%; 23 homozygotes.

Submissions (4):

Labcorp Genetics (formerly Invitae), Labcorp
Classification: Benign for Acyl-CoA oxidase deficiency. Last evaluated: 2026-01-28. Review status: criteria provided, single submitter. Criteria: Invitae Variant Classification Sherloc (09022015). Collection method: clinical testing. Allele origin: germline.

Mayo Clinic Laboratories, Mayo Clinic
Classification: Benign. Last evaluated: 2025-05-20. Review status: criteria provided, single submitter. Criteria: ACMG Guidelines, 2015. Collection method: clinical testing. Allele origin: germline. Observed: 1 variant allele.
Comment: BA1, BP4, BP7

Illumina Laboratory Services, Illumina
Classification: Benign for Acyl-CoA oxidase deficiency. Last evaluated: 2018-01-13. Review status: criteria provided, single submitter. Criteria: ICSL Variant Classification Criteria 13 December 2019. Collection method: clinical testing. Allele origin: germline.
Comment: This variant was observed in the ICSL laboratory as part of a predisposition screen in an ostensibly healthy population. It had not been previously curated by ICSL or reported in the Human Gene Mutation Database (HGMD: prior to June 1st, 2018), and was therefore a candidate for classification through an automated scoring system. Utilizing variant allele frequency, disease prevalence and penetrance estimates, and inheritance mode, an automated score was calculated to assess if this variant is too frequent to cause the disease. Based on the score and internal cut-off values, a variant classified as benign is not then subjected to further curation. The score for this variant resulted in a classification of benign for this disease.

Natera, Inc.
Classification: Benign for Peroxisomal acyl-CoA oxidase deficiency. Last evaluated: 2019-10-28. Review status: no assertion criteria provided. Collection method: clinical testing. Allele origin: germline. Not counted in ClinVar's aggregate classification.

NM_004035.7(ACOX1):c.867T>C (p.Ala289=)

Gene: ACOX1 (acyl-CoA oxidase 1; minus strand). Cytogenetic location: 17q25.1.
Variant type: single nucleotide variant.
Coding change: c.867T>C on transcript NM_004035.7 (MANE Select); coding-DNA position 867, T replaced by C.
Protein change: p.Ala289=; no amino-acid change (alanine 289 retained).
Molecular consequence: synonymous variant.
Genome position (GRCh38, 1-based): chr17:75,953,528, A>G on the plus strand (T>C on the coding strand, the complement: ACOX1 is on the minus strand). VCF-style: chr17-75953528-A-G. GRCh37 (hg19) VCF-style: chr17-73949609-A-G.
Other names: p.Ala289=; c.753T>C, p.Ala251= (NM_001185039.2); c.867T>C, p.Ala289= (NM_007292.6).
Identifiers: ClinVar variation 325384 (VCV000325384.17), dbSNP rs370001667, ClinGen allele CA8776905.